The following is an entry in ClinVar:

ClinVar aggregate classification (germline): Uncertain significance (1 of 4 stars; one submission).

Conditions:
Inborn genetic diseases. Identifiers: MedGen C0950123, MeSH D030342.

Submission:

Ambry Genetics
Classification: Uncertain significance for Inborn genetic diseases. Last evaluated: 2026-08-07. Review status: criteria provided, single submitter. Criteria: Ambry Variant Classification Scheme 2023. Collection method: clinical testing. Allele origin: germline.
Comment: The p.P294R variant (also known as c.881C>G), located in coding exon 7 of the BUB1B gene, results from a C to G substitution at nucleotide position 881. The proline at codon 294 is replaced by arginine, an amino acid with dissimilar properties. This amino acid position is conserved. In addition, this alteration is predicted to be tolerated by in silico analysis. Based on the available evidence, the clinical significance of this variant remains unclear.

NM_001211.6(BUB1B):c.881C>G (p.Pro294Arg)

Gene: BUB1B (BUB1 mitotic checkpoint serine/threonine kinase B; plus strand). Cytogenetic location: 15q15.1.
Variant type: single nucleotide variant.
Coding change: c.881C>G on transcript NM_001211.6 (MANE Select); coding-DNA position 881, C replaced by G.
Protein change: p.Pro294Arg; replaces proline 294 with arginine.
Molecular consequence: missense variant.
Genome position (GRCh38, 1-based): chr15:40,185,294, C>G. VCF-style: chr15-40185294-C-G. GRCh37 (hg19) VCF-style: chr15-40477495-C-G.
Other names: short protein forms P294R.
Identifiers: ClinVar variation 5033529 (VCV005033529.1).